The following is an entry in ClinVar:

ClinVar aggregate classification (germline): Uncertain significance. Review status: criteria provided, multiple submitters, no conflicts (2 of 4 stars). 3 submissions from 3 submitters: Uncertain significance (3). Last evaluated 2022-10-26.

Conditions:
Epilepsy. Also called: Seizure disorder. Identifiers: MedGen C0014544, MeSH D004827, MONDO:0005027.
Developmental and epileptic encephalopathy, 77. Also called: EPILEPTIC ENCEPHALOPATHY, EARLY INFANTILE, 77; MULTIPLE CONGENITAL ANOMALIES-HYPOTONIA-SEIZURES SYNDROME 4; GLYCOSYLPHOSPHATIDYLINOSITOL BIOSYNTHESIS DEFECT 19. Identifiers: MedGen C5231405, MONDO:0032808, OMIM 618548.
Inborn genetic diseases. Identifiers: MedGen C0950123, MeSH D030342.

Allele frequency attached by ClinVar (database versions not stated): gnomAD exomes 0.00004 and 0.00005; TOPMed 0.00006; gnomAD 0.00001; ExAC 0.00010.
gnomAD v4.1: 71 of 1,552,266 alleles (0.0046%); highest among the groups gnomAD compares: Non-Finnish European, 0.0057%; no homozygotes.

Submissions (3):

Ambry Genetics
Classification: Uncertain significance for Inborn genetic diseases. Last evaluated: 2022-10-26. Review status: criteria provided, single submitter. Criteria: Ambry Variant Classification Scheme 2023. Collection method: clinical testing. Allele origin: germline.

Labcorp Genetics (formerly Invitae), Labcorp
Classification: Uncertain significance for Epilepsy. Last evaluated: 2022-04-12. Review status: criteria provided, single submitter. Criteria: Invitae Variant Classification Sherloc (09022015). Collection method: clinical testing. Allele origin: germline.
Comment: This sequence change replaces leucine, which is neutral and non-polar, with valine, which is neutral and non-polar, at codon 305 of the PIGQ protein (p.Leu305Val). This variant is present in population databases (rs771818509, gnomAD 0.009%). This variant has not been reported in the literature in individuals affected with PIGQ-related conditions. ClinVar contains an entry for this variant (Variation ID: 947882). Algorithms developed to predict the effect of missense changes on protein structure and function are either unavailable or do not agree on the potential impact of this missense change (SIFT: "Tolerated"; PolyPhen-2: "Possibly Damaging"; Align-GVGD: "Class C0"). In summary, the available evidence is currently insufficient to determine the role of this variant in disease. Therefore, it has been classified as a Variant of Uncertain Significance.

Department of Pathology and Laboratory Medicine, Sinai Health System
Classification: Uncertain significance for Developmental and epileptic encephalopathy, 77. Last evaluated: 2020-07-09. Review status: criteria provided, single submitter. Criteria: ACMG Guidelines, 2015. Collection method: research. Allele origin: germline.

NM_004204.5(PIGQ):c.913C>G (p.Leu305Val)

Gene: PIGQ (phosphatidylinositol glycan anchor biosynthesis class Q; plus strand). Cytogenetic location: 16p13.3.
Variant type: single nucleotide variant.
Coding change: c.913C>G on transcript NM_004204.5 (MANE Select); coding-DNA position 913, C replaced by G.
Protein change: p.Leu305Val; replaces leucine 305 with valine.
Molecular consequence: missense variant.
Genome position (GRCh38, 1-based): chr16:576,225, C>G. VCF-style: chr16-576225-C-G. GRCh37 (hg19) VCF-style: chr16-626225-C-G.
Other names: c.913C>G, p.Leu305Val (NM_148920.4); c.913C>G (NM_148920.1); short protein forms L305V.
Identifiers: ClinVar variation 947882 (VCV000947882.6), dbSNP rs771818509, ClinGen allele CA7780023.
Genomic context (GRCh38, chr16:576,225, plus strand): 5'-GACGTGGCCCTGGGCCTCATGCTGCTGTCCTGGCTCCACGGGAGAAGCCGCATCGGGCAT[C>G]TGGCCGACGCCCTCGTTCCTGTGGCTGACGTGAGTGGACTGGGGTGGAGCCCGGTGTCCC-3'
Protein context (NP_004195.2, residues 295-315): WLHGRSRIGH[Leu305Val]ADALVPVADH